The following is an entry in ClinVar:

ClinVar aggregate classification (germline): Uncertain significance (1 of 4 stars; one submission).

Conditions:
Focal segmental glomerulosclerosis 5 (FSGS5). Identifiers: Orphanet 656, MedGen C2750475, MONDO:0013191, OMIM 613237.
Charcot-Marie-Tooth disease dominant intermediate E. Also called: CHARCOT-MARIE-TOOTH NEUROPATHY WITH FOCAL SEGMENTAL GLOMERULONEPHRITIS. Identifiers: Orphanet 93114, MedGen C4302667, MONDO:0013758, OMIM 614455.

gnomAD v4.1: 2 of 1,551,514 alleles (0.00013%); highest among the groups gnomAD compares: Non-Finnish European, 0.000087%; no homozygotes.

Submission:

Labcorp Genetics (formerly Invitae), Labcorp
Classification: Uncertain significance for Charcot-Marie-Tooth disease dominant intermediate E; Focal segmental glomerulosclerosis 5. Last evaluated: 2022-04-12. Review status: criteria provided, single submitter. Criteria: Invitae Variant Classification Sherloc (09022015). Collection method: clinical testing. Allele origin: germline.
Comment: This variant has not been reported in the literature in individuals affected with INF2-related conditions. In summary, the available evidence is currently insufficient to determine the role of this variant in disease. Therefore, it has been classified as a Variant of Uncertain Significance. Algorithms developed to predict the effect of missense changes on protein structure and function (SIFT, PolyPhen-2, Align-GVGD) all suggest that this variant is likely to be tolerated. The frequency data for this variant in the population databases is considered unreliable, as metrics indicate poor data quality at this position in the gnomAD database. This sequence change replaces serine, which is neutral and polar, with isoleucine, which is neutral and non-polar, at codon 404 of the INF2 protein (p.Ser404Ile).

NM_022489.4(INF2):c.1211G>T (p.Ser404Ile)

Gene: INF2 (inverted formin 2; plus strand). Cytogenetic location: 14q32.33.
Variant type: single nucleotide variant.
Coding change: c.1211G>T on transcript NM_022489.4 (MANE Select); coding-DNA position 1211, G replaced by T.
Protein change: p.Ser404Ile; replaces serine 404 with isoleucine.
Molecular consequence: missense variant.
Genome position (GRCh38, 1-based): chr14:104,707,478, G>T. VCF-style: chr14-104707478-G-T. GRCh37 (hg19) VCF-style: chr14-105173815-G-T.
Other names: c.1211G>T, p.Ser404Ile (NM_001031714.4); short protein forms S404I.
Identifiers: ClinVar variation 1466719 (VCV001466719.8), dbSNP rs759535604, ClinGen allele CA391216156.